The following is an entry in ClinVar:

NM_000430.4(PAFAH1B1):c.304T>G (p.Tyr102Asp)

Gene: PAFAH1B1 (platelet activating factor acetylhydrolase 1b regulatory subunit 1; plus strand). Cytogenetic location: 17p13.3.
Variant type: single nucleotide variant.
Coding change: c.304T>G on transcript NM_000430.4 (MANE Select); coding-DNA position 304, T replaced by G.
Protein change: p.Tyr102Asp; replaces tyrosine 102 with aspartic acid.
Molecular consequence: missense variant.
Genome position (GRCh38, 1-based): chr17:2,667,103, T>G. VCF-style: chr17-2667103-T-G. GRCh37 (hg19) VCF-style: chr17-2570397-T-G.
Other names: short protein forms Y102D.
Identifiers: ClinVar variation 2853949 (VCV002853949.3), dbSNP rs2544090239, ClinGen allele CA397638849.
Genomic context (GRCh38, chr17:2,667,103, plus strand): 5'-GGTGGACCTCTTGGTCAGAAACGAGACCCAAAAGAATGGATTCCCCGTCCGCCAGAAAAA[T>G]ATGCATTGAGTGGTCACAGGAGTCCAGTCACTCGAGTCATTTTCCATCCTGTGTTCAGTG-3'
Protein context (NP_000421.1, residues 92-112): KEWIPRPPEK[Tyr102Asp]ALSGHRSPVT

ClinVar aggregate classification (germline): Uncertain significance (1 of 4 stars; one submission).

Submission:

Labcorp Genetics (formerly Invitae), Labcorp
Classification: Uncertain significance. Last evaluated: 2023-04-09. Review status: criteria provided, single submitter. Criteria: Invitae Variant Classification Sherloc (09022015). Collection method: clinical testing. Allele origin: germline.
Comment: In summary, the available evidence is currently insufficient to determine the role of this variant in disease. Therefore, it has been classified as a Variant of Uncertain Significance. An algorithm developed to predict the effect of missense changes on protein structure and function (PolyPhen-2) suggests that this variant is likely to be disruptive. This variant has not been reported in the literature in individuals affected with PAFAH1B1-related conditions. This variant is not present in population databases (gnomAD no frequency). This sequence change replaces tyrosine, which is neutral and polar, with aspartic acid, which is acidic and polar, at codon 102 of the PAFAH1B1 protein (p.Tyr102Asp).